The following is an entry in ClinVar:

ClinVar aggregate classification (germline): Uncertain significance (1 of 4 stars; one submission).

Conditions:
Hyperekplexia 3 (HKPX3). Also called: HYPEREKPLEXIA 3, AUTOSOMAL RECESSIVE; HYPEREKPLEXIA 3, AUTOSOMAL DOMINANT. Identifiers: Orphanet 3197, MedGen C3553288, MONDO:0013827, OMIM 614618.

Allele frequency attached by ClinVar (database versions not stated): gnomAD exomes below 0.00001 and 0.00001; ExAC 0.00001; gnomAD 0.00001; TOPMed 0.00002; ESP Exome Variant Server 0.00008.
gnomAD v4.1: 22 of 1,613,776 alleles (0.0014%); highest among the groups gnomAD compares: African/African-American, 0.004%; no homozygotes.

Submission:

Labcorp Genetics (formerly Invitae), Labcorp
Classification: Uncertain significance for Hyperekplexia 3. Last evaluated: 2022-08-31. Review status: criteria provided, single submitter. Criteria: Invitae Variant Classification Sherloc (09022015). Collection method: clinical testing. Allele origin: germline.
Comment: This sequence change replaces serine, which is neutral and polar, with leucine, which is neutral and non-polar, at codon 344 of the SLC6A5 protein (p.Ser344Leu). This variant is present in population databases (rs371937657, gnomAD no frequency). This variant has not been reported in the literature in individuals affected with SLC6A5-related conditions. ClinVar contains an entry for this variant (Variation ID: 1484140). Advanced modeling of protein sequence and biophysical properties (such as structural, functional, and spatial information, amino acid conservation, physicochemical variation, residue mobility, and thermodynamic stability) performed at Invitae indicates that this missense variant is not expected to disrupt SLC6A5 protein function. In summary, the available evidence is currently insufficient to determine the role of this variant in disease. Therefore, it has been classified as a Variant of Uncertain Significance.

NM_004211.5(SLC6A5):c.1031C>T (p.Ser344Leu)

Gene: SLC6A5 (solute carrier family 6 member 5; plus strand). Cytogenetic location: 11p15.1.
Variant type: single nucleotide variant.
Coding change: c.1031C>T on transcript NM_004211.5 (MANE Select); coding-DNA position 1031, C replaced by T.
Protein change: p.Ser344Leu; replaces serine 344 with leucine.
Molecular consequence: missense variant.
Genome position (GRCh38, 1-based): chr11:20,614,724, C>T. VCF-style: chr11-20614724-C-T. GRCh37 (hg19) VCF-style: chr11-20636270-C-T.
Other names: c.329C>T, p.Ser110Leu (NM_001318369.2); short protein forms S110L, S344L.
Identifiers: ClinVar variation 1484140 (VCV001484140.3), dbSNP rs371937657, ClinGen allele CA5921289.